The following is an entry in ClinVar:

ClinVar aggregate classification (germline): Uncertain significance (1 of 4 stars; one submission).

Submission:

GeneDx
Classification: Uncertain significance. Last evaluated: 2025-06-05. Review status: criteria provided, single submitter. Criteria: GeneDx Variant Classification Process June 2021. Collection method: clinical testing. Allele origin: germline. Affected: yes.
Comment: Not observed at significant frequency in large population cohorts (gnomAD); In silico analysis supports that this missense variant has a deleterious effect on protein structure/function; Has not been previously published as pathogenic or benign to our knowledge; Does not affect a cysteine or calcium-binding residue within an EGF-like domain or a TGF-binding protein domain of the FBN1 gene; cysteine substitutions in the EGF-like domains represent the majority of pathogenic missense changes associated with FBN1-related disorders (PMID: 12938084); This variant is associated with the following publications: (PMID: 12938084)

NM_000138.5(FBN1):c.4560C>G (p.Asn1520Lys)

Gene: FBN1 (fibrillin 1; minus strand). Cytogenetic location: 15q21.1.
Variant type: single nucleotide variant.
Coding change: c.4560C>G on transcript NM_000138.5 (MANE Select); coding-DNA position 4560, C replaced by G.
Protein change: p.Asn1520Lys; replaces asparagine 1520 with lysine.
Molecular consequence: missense variant.
Genome position (GRCh38, 1-based): chr15:48,468,434, G>C on the plus strand (C>G on the coding strand, the complement: FBN1 is on the minus strand). VCF-style: chr15-48468434-G-C. GRCh37 (hg19) VCF-style: chr15-48760631-G-C.
Other names: c.4560C>G, p.Asn1520Lys (NM_001406716.1); short protein forms N1520K.
Identifiers: ClinVar variation 4536445 (VCV004536445.1).